The following is an entry in ClinVar:

ClinVar aggregate classification (germline): Uncertain significance (1 of 4 stars; one submission).

Allele frequency attached by ClinVar (database versions not stated): ExAC 0.00001; gnomAD exomes 0.00002; 1000 Genomes Project 30x 0.00016; 1000 Genomes Project 0.00020.

Submission:

Labcorp Genetics (formerly Invitae), Labcorp
Classification: Uncertain significance. Last evaluated: 2025-10-22. Review status: criteria provided, single submitter. Criteria: Invitae Variant Classification Sherloc (09022015). Collection method: clinical testing. Allele origin: germline.
Comment: This sequence change replaces arginine, which is basic and polar, with glutamine, which is neutral and polar, at codon 585 of the LRRK1 protein (p.Arg585Gln). This variant is present in population databases (rs538821865, gnomAD 0.007%). This variant has not been reported in the literature in individuals affected with LRRK1-related conditions. ClinVar contains an entry for this variant (Variation ID: 1524957). An algorithm developed to predict the effect of missense changes on protein structure and function outputs the following: PolyPhen-2: "Benign". The glutamine amino acid residue is found in multiple mammalian species, which suggests that this missense change does not adversely affect protein function. Algorithms developed to predict the effect of sequence changes on RNA splicing suggest that this variant may create or strengthen a splice site. In summary, the available evidence is currently insufficient to determine the role of this variant in disease. Therefore, it has been classified as a Variant of Uncertain Significance.

NM_024652.6(LRRK1):c.1754G>A (p.Arg585Gln)

Gene: LRRK1 (leucine rich repeat kinase 1; plus strand). Cytogenetic location: 15q26.3.
Variant type: single nucleotide variant.
Coding change: c.1754G>A on transcript NM_024652.6 (MANE Select); coding-DNA position 1754, G replaced by A.
Protein change: p.Arg585Gln; replaces arginine 585 with glutamine.
Molecular consequence: missense variant.
Genome position (GRCh38, 1-based): chr15:101,021,859, G>A. VCF-style: chr15-101021859-G-A. GRCh37 (hg19) VCF-style: chr15-101562064-G-A.
Other names: short protein forms R585Q.
Identifiers: ClinVar variation 1524957 (VCV001524957.6), dbSNP rs538821865, ClinGen allele CA7761026.